The following is an entry in ClinVar:

NM_004336.5(BUB1):c.3244C>A (p.Arg1082Ser)

Gene: BUB1 (BUB1 mitotic checkpoint serine/threonine kinase; minus strand). Cytogenetic location: 2q13.
Variant type: single nucleotide variant.
Coding change: c.3244C>A on transcript NM_004336.5 (MANE Select); coding-DNA position 3244, C replaced by A.
Protein change: p.Arg1082Ser; replaces arginine 1082 with serine.
Molecular consequence: missense variant.
Genome position (GRCh38, 1-based): chr2:110,637,978, G>T on the plus strand (C>A on the coding strand, the complement: BUB1 is on the minus strand). VCF-style: chr2-110637978-G-T. GRCh37 (hg19) VCF-style: chr2-111395555-G-T.
Other names: c.3184C>A, p.Arg1062Ser (NM_001278616.2); c.3073C>A, p.Arg1025Ser (NM_001278617.2); short protein forms R1025S, R1082S, R1062S.
Identifiers: ClinVar variation 2565819 (VCV002565819.2), dbSNP rs372788700, ClinGen allele CA348088229.

ClinVar aggregate classification (germline): Uncertain significance (1 of 4 stars; one submission).

gnomAD v4.1: 1 of 1,496,684 alleles (0.000067%); highest among the groups gnomAD compares: South Asian, 0.0014%; no homozygotes.

Submission:

Ambry Genetics
Classification: Uncertain significance. Last evaluated: 2023-05-31. Review status: criteria provided, single submitter. Criteria: Ambry Variant Classification Scheme 2023. Collection method: clinical testing. Allele origin: germline.
Comment: The p.R1082S variant (also known as c.3244C>A), located in coding exon 25 of the BUB1 gene, results from a C to A substitution at nucleotide position 3244. The arginine at codon 1082 is replaced by serine, an amino acid with dissimilar properties. This amino acid position is conserved. In addition, this alteration is predicted to be tolerated by in silico analysis. Since supporting evidence is limited at this time, the clinical significance of this alteration remains unclear.